The following is an entry in ClinVar:

ClinVar aggregate classification (germline): Uncertain significance (1 of 4 stars; one submission).

Conditions:
Tuberous sclerosis 1 (TSC1). Identifiers: Orphanet 805, MedGen C1854465, MONDO:0008612, OMIM 191100.

Submission:

Labcorp Genetics (formerly Invitae), Labcorp
Classification: Uncertain significance for Tuberous sclerosis 1. Last evaluated: 2025-12-02. Review status: criteria provided, single submitter. Criteria: Invitae Variant Classification Sherloc (09022015). Collection method: clinical testing. Allele origin: germline.
Comment: This sequence change replaces glycine, which is neutral and non-polar, with arginine, which is basic and polar, at codon 147 of the TSC1 protein (p.Gly147Arg). This variant is not present in population databases (gnomAD no frequency). This variant has not been reported in the literature in individuals affected with TSC1-related conditions. ClinVar contains an entry for this variant (Variation ID: 2693912). Invitae Evidence Modeling of protein sequence and biophysical properties (such as structural, functional, and spatial information, amino acid conservation, physicochemical variation, residue mobility, and thermodynamic stability) indicates that this missense variant is expected to disrupt TSC1 protein function with a positive predictive value of 80%. In summary, the available evidence is currently insufficient to determine the role of this variant in disease. Therefore, it has been classified as a Variant of Uncertain Significance.

NM_000368.5(TSC1):c.439G>A (p.Gly147Arg)

Gene: TSC1 (TSC complex subunit 1; minus strand). Cytogenetic location: 9q34.13.
Variant type: single nucleotide variant.
Coding change: c.439G>A on transcript NM_000368.5 (MANE Select); coding-DNA position 439, G replaced by A.
Protein change: p.Gly147Arg; replaces glycine 147 with arginine.
Molecular consequence: missense variant. On other transcripts: 5 prime UTR variant (5), non-coding transcript variant (5).
Genome position (GRCh38, 1-based): chr9:132,923,417, C>T on the plus strand (G>A on the coding strand, the complement: TSC1 is on the minus strand). VCF-style: chr9-132923417-C-T. GRCh37 (hg19) VCF-style: chr9-135798804-C-T.
Other names: c.439G>A, p.Gly147Arg (NM_001162426.2, NM_001406592.1, NM_001406593.1 and 16 more transcripts); c.286G>A, p.Gly96Arg (NM_001162427.2, NM_001406610.1, NM_001406611.1 and 2 more transcripts); c.76G>A, p.Gly26Arg (NM_001362177.2, NM_001406614.1, NM_001406615.1 and 10 more transcripts); c.-439G>A (NM_001406626.1, NM_001406627.1, NM_001406628.1); c.-581G>A (NM_001406629.1); c.-655G>A (NM_001406630.1); short protein forms G147R, G26R, G96R.
Identifiers: ClinVar variation 2693912 (VCV002693912.3), dbSNP rs2539039663, ClinGen allele CA375373427.